The following is an entry in ClinVar:

ClinVar aggregate classification (germline): Uncertain significance (1 of 4 stars; one submission).

Submission:

GeneDx
Classification: Uncertain significance. Last evaluated: 2019-02-15. Review status: criteria provided, single submitter. Criteria: GeneDx Variant Classification Process June 2021. Collection method: clinical testing. Allele origin: germline. Affected: yes.
Comment: Not observed in large population cohorts (Lek et al., 2016); In silico analysis, which includes protein predictors and evolutionary conservation, supports that this variant does not alter protein structure/function; Has not been previously published as pathogenic or benign to our knowledge

NM_000069.3(CACNA1S):c.1857_1860delinsTATT (p.Met619_Met620delinsIleIle)

Gene: CACNA1S (calcium voltage-gated channel subunit alpha1 S; minus strand). Cytogenetic location: 1q32.1.
Variant type: Indel.
Coding change: c.1857_1860delinsTATT on transcript NM_000069.3 (MANE Select); coding-DNA positions 1857 to 1860, GATG replaced by TATT.
Protein change: p.Met619_Met620delinsIleIle.
Molecular consequence: missense variant.
Genome position (GRCh38, 1-based): chr1:201,075,583-201,075,586, CATC replaced by AATA on the plus strand (GATG replaced by TATT on the coding strand, the reverse complement: CACNA1S is on the minus strand). VCF-style: chr1-201075583-CATC-AATA. GRCh37 (hg19) VCF-style: chr1-201044711-CATC-AATA.
Identifiers: ClinVar variation 1318890 (VCV001318890.2), dbSNP rs2102140252, ClinGen allele CA2573051459.